The following is an entry in ClinVar:

ClinVar aggregate classification (germline): Uncertain significance. Review status: criteria provided, multiple submitters, no conflicts (2 of 4 stars). 2 submissions from 2 submitters: Uncertain significance (2). Last evaluated 2026-01-24.

Conditions:
Candidiasis, familial, 6 (CANDF6). Also called: Candidiasis, familial, 6, autosomal dominant. Identifiers: Orphanet 1334, MedGen C3151405, MONDO:0013503, OMIM 613956.

Allele frequency attached by ClinVar (database versions not stated): gnomAD exomes 0.00003 and 0.00010; ExAC 0.00004; gnomAD 0.00005; TOPMed 0.00007.
gnomAD v4.1: 56 of 1,614,036 alleles (0.0035%); highest among the groups gnomAD compares: Admixed American, 0.04%; no homozygotes.

Submissions (2):

Labcorp Genetics (formerly Invitae), Labcorp
Classification: Uncertain significance for Candidiasis, familial, 6. Last evaluated: 2026-01-24. Review status: criteria provided, single submitter. Criteria: Invitae Variant Classification Sherloc (09022015). Collection method: clinical testing. Allele origin: germline.
Comment: This sequence change replaces arginine, which is basic and polar, with cysteine, which is neutral and slightly polar, at codon 72 of the IL17F protein (p.Arg72Cys). This variant is present in population databases (rs764500129, gnomAD 0.05%). This variant has not been reported in the literature in individuals affected with IL17F-related conditions. ClinVar contains an entry for this variant (Variation ID: 1361986). An algorithm developed to predict the effect of missense changes on protein structure and function (PolyPhen-2) suggests that this variant is likely to be disruptive. In summary, the available evidence is currently insufficient to determine the role of this variant in disease. Therefore, it has been classified as a Variant of Uncertain Significance.

Ambry Genetics
Classification: Uncertain significance. Last evaluated: 2025-04-25. Review status: criteria provided, single submitter. Criteria: Ambry Variant Classification Scheme 2023. Collection method: clinical testing. Allele origin: germline.

NM_052872.4(IL17F):c.214C>T (p.Arg72Cys)

Gene: IL17F (interleukin 17F; minus strand). Cytogenetic location: 6p12.2.
Variant type: single nucleotide variant.
Coding change: c.214C>T on transcript NM_052872.4 (MANE Select); coding-DNA position 214, C replaced by T.
Protein change: p.Arg72Cys; replaces arginine 72 with cysteine.
Molecular consequence: missense variant.
Genome position (GRCh38, 1-based): chr6:52,238,770, G>A on the plus strand (C>T on the coding strand, the complement: IL17F is on the minus strand). VCF-style: chr6-52238770-G-A. GRCh37 (hg19) VCF-style: chr6-52103568-G-A.
Other names: c.214C>T (NM_052872.3); short protein forms R72C.
Identifiers: ClinVar variation 1361986 (VCV001361986.10), dbSNP rs764500129, ClinGen allele CA3854423.